The following is an entry in ClinVar:

NM_005986.3(SOX1):c.84G>C (p.Ala28=)

Genes: SOX1 (SRY-box transcription factor 1; plus strand), SOX1-OT (SOX1 overlapping transcript; plus strand). Cytogenetic location: 13q34.
Variant type: single nucleotide variant.
Coding change: c.84G>C on transcript NM_005986.3 (MANE Select); coding-DNA position 84, G replaced by C.
Protein change: p.Ala28=; no amino-acid change (alanine 28 retained).
Molecular consequence: synonymous variant.
Genome position (GRCh38, 1-based): chr13:112,067,742, G>C. VCF-style: chr13-112067742-G-C. GRCh37 (hg19) VCF-style: chr13-112722056-G-C.
Identifiers: ClinVar variation 3033442 (VCV003033442.2), dbSNP rs1051790188, ClinGen allele CA257114064.

ClinVar aggregate classification (germline): Likely benign (0 of 4 stars; one submission).

Conditions:
SOX1-related disorder. Also called: SOX1-related condition.

Submission:

PreventionGenetics, part of Exact Sciences
Classification: Likely benign for SOX1-related condition. Last evaluated: 2020-11-17. Review status: no assertion criteria provided. Collection method: clinical testing. Allele origin: germline.
Comment: This variant is classified as likely benign based on ACMG/AMP sequence variant interpretation guidelines (Richards et al. 2015 PMID: 25741868, with internal and published modifications).